The following is an entry in ClinVar:

NM_001330078.2(NRXN1):c.190C>T (p.Arg64Cys)

Gene: NRXN1 (neurexin 1; minus strand). Cytogenetic location: 2p16.3.
Variant type: single nucleotide variant.
Coding change: c.190C>T on transcript NM_001330078.2 (MANE Select); coding-DNA position 190, C replaced by T.
Protein change: p.Arg64Cys; replaces arginine 64 with cysteine.
Molecular consequence: missense variant.
Genome position (GRCh38, 1-based): chr2:51,028,084, G>A on the plus strand (C>T on the coding strand, the complement: NRXN1 is on the minus strand). VCF-style: chr2-51028084-G-A. GRCh37 (hg19) VCF-style: chr2-51255222-G-A.
Other names: c.190C>T, p.Arg64Cys (NM_001330079.2, NM_001330081.2, NM_001330082.2 and 15 more transcripts); short protein forms R64C.
Identifiers: ClinVar variation 1026760 (VCV001026760.8), dbSNP rs201566733, ClinGen allele CA1655550.
Genomic context (GRCh38, chr2:51,028,084, plus strand): 5'-TCAGAATCAGCTCCAGGAAGTCGCAGAAGCCCTCGTCGTCGAAGTAGAGCACGAGGCCGC[G>A]GGCGCTGCGAGTCTTGAGCTGGAAGCTCATCTCGCTCTCGCAGCAGGCGTTCCACTTGGG-3'
Protein context (NP_001317007.1, residues 54-74): MSFQLKTRSA[Arg64Cys]GLVLYFDDEG

ClinVar aggregate classification (germline): Uncertain significance (1 of 4 stars; one submission).

Conditions:
Pitt-Hopkins-like syndrome 2 (PTHSL2). Identifiers: Orphanet 221150, Orphanet 600663, MedGen C3280479, MONDO:0013690, OMIM 614325.

Allele frequency attached by ClinVar (database versions not stated): TOPMed 0.00002.
gnomAD v4.1: 5 of 1,587,002 alleles (0.00032%); highest among the groups gnomAD compares: Non-Finnish European, 0.00043%; no homozygotes.

Submission:

Labcorp Genetics (formerly Invitae), Labcorp
Classification: Uncertain significance for Pitt-Hopkins-like syndrome 2. Last evaluated: 2020-02-26. Review status: criteria provided, single submitter. Criteria: Invitae Variant Classification Sherloc (09022015). Collection method: clinical testing. Allele origin: germline.
Comment: In summary, the available evidence is currently insufficient to determine the role of this variant in disease. Therefore, it has been classified as a Variant of Uncertain Significance. Algorithms developed to predict the effect of missense changes on protein structure and function are either unavailable or do not agree on the potential impact of this missense change (SIFT: "Deleterious"; PolyPhen-2: "Benign"; Align-GVGD: "Class C0"). This variant has not been reported in the literature in individuals with NRXN1-related conditions. This variant is present in population databases (rs201566733, ExAC 0.003%). This sequence change replaces arginine with cysteine at codon 64 of the NRXN1 protein (p.Arg64Cys). The arginine residue is highly conserved and there is a large physicochemical difference between arginine and cysteine.